The following is an entry in ClinVar:

NM_016239.4(MYO15A):c.9538_9539del (p.Gln3180fs)

Gene: MYO15A (myosin XVA; plus strand). Cytogenetic location: 17p11.2.
Variant type: Deletion.
Coding change: c.9538_9539del on transcript NM_016239.4 (MANE Select); coding-DNA positions 9538 to 9539, 2 bases deleted (CA; older notation c.9538_9539delCA).
Protein change: p.Gln3180fs; shifts the reading frame from glutamine 3180.
Molecular consequence: frameshift variant.
Genome position (GRCh38, 1-based): chr17:18,162,605-18,162,606, CA deleted. VCF-style (leftmost placement, unchanged base first): chr17-18162604-GCA-G. GRCh37 (hg19) VCF-style: chr17-18065918-GCA-G.
Other names: short protein forms Q3180fs.
Identifiers: ClinVar variation 450989 (VCV000450989.2), dbSNP rs1555547524, ClinGen allele CA658656539.

ClinVar aggregate classification (germline): Pathogenic (1 of 4 stars; one submission).

Submission:

GeneDx
Classification: Pathogenic. Last evaluated: 2017-08-03. Review status: criteria provided, single submitter. Criteria: GeneDx Variant Classification (06012015). Collection method: clinical testing. Allele origin: germline. Affected: yes.
Comment: The c.9538_9539delCA variant in the MYO15A gene has not been reported previously as a pathogenic variant nor as a benign variant, to our knowledge. The c.9538_9539delCA variant causes a frameshift starting with Glutamine codon 3180, changes this amino acid to a Glutamic Acid residue, and creates a premature Stop codon at position 41 of the new reading frame, denoted p.Gln3180GlufsX41. This variant is predicted to cause loss of normal protein function either through protein truncation or nonsense-mediated mRNA decay. The c.9538_9539delCA variant is not observed in large population cohorts (Lek et al., 2016; 1000 Genomes Consortium et al., 2015; Exome Variant Server). We interpret c.9538_9539delCA as a pathogenic variant.